The following is an entry in ClinVar:

ClinVar aggregate classification (germline): Uncertain significance. Review status: criteria provided, multiple submitters, no conflicts (2 of 4 stars). 3 submissions from 3 submitters: Uncertain significance (2). 1 of the submissions does not count toward it. Last evaluated 2025-09-10.

Conditions:
Obesity. Also called: Obesity disorder. Identifiers: Orphanet 71529, MedGen C0028754, MeSH D009765, MONDO:0011122, HP:0001513.
Pheochromocytoma/paraganglioma syndrome 1. Also called: Paraganglioma - glomus jugulare; SDHD-Related Hereditary Paraganglioma-Pheochromocytoma Syndrome; PARAGANGLIOMATA; Paragangliomas 1; Glomus tumors familial 1; PARAGANGLIOMAS, FAMILIAL NONCHROMAFFIN, 1. Identifiers: Orphanet 29072, MedGen C3494181, MONDO:0008192, OMIM 168000.

Allele frequency attached by ClinVar (database versions not stated): ExAC 0.00008; gnomAD 0.00007 and 0.00006; TOPMed 0.00010; gnomAD exomes 0.00013.
gnomAD v4.1: 163 of 1,614,104 alleles (0.01%); highest among the groups gnomAD compares: Middle Eastern, 0.15%; 1 homozygote.

Submissions (3):

Genomic Medicine Center of Excellence, King Faisal Specialist Hospital and Research Centre
Classification: Uncertain significance for Pheochromocytoma/paraganglioma syndrome 1. Last evaluated: 2025-09-10. Review status: criteria provided, single submitter. Criteria: ACMG Guidelines, 2015. Collection method: clinical testing. Allele origin: germline.

Baylor Genetics
Classification: Uncertain significance for Inherited obesity. Last evaluated: 2018-04-18. Review status: criteria provided, single submitter. Criteria: ACMG Guidelines, 2015. Collection method: clinical testing. Allele origin: paternal. Affected: yes.
Comment: This variant was determined to be of uncertain significance according to ACMG Guidelines, 2015 [PMID:25741868].

OMIM
Classification: risk factor for OBESITY, SUSCEPTIBILITY TO (1 family). Last evaluated: 2004-12-01. Review status: no assertion criteria provided. Collection method: literature only. Allele origin: germline. Not counted in ClinVar's aggregate classification.

Literature cited by the submitters: PubMed 11522684 (cited by OMIM); PubMed 15326462 (cited by OMIM).

NM_004291.4(CARTPT):c.183G>C (p.Leu61Phe)

Gene: CARTPT (CART prepropeptide; plus strand). Cytogenetic location: 5q13.2.
Variant type: single nucleotide variant.
Coding change: c.183G>C on transcript NM_004291.4 (MANE Select); coding-DNA position 183, G replaced by C.
Protein change: p.Leu61Phe; replaces leucine 61 with phenylalanine.
Molecular consequence: missense variant.
Genome position (GRCh38, 1-based): chr5:71,719,903, G>C. VCF-style: chr5-71719903-G-C. GRCh37 (hg19) VCF-style: chr5-71015730-G-C.
Other names: L34F; short protein forms L61F.
Identifiers: ClinVar variation 6993 (VCV000006993.4), dbSNP rs121909065, ClinGen allele CA210807.
Genomic context (GRCh38, chr5:71,719,903, plus strand): 5'-AGGCGGCAACTTCAGGCTCCGAAGCGGTGTGTTGCAGATCGAAGCGCTGCAAGAAGTCTT[G>C]AAGAAGCTCAAGAGTAAACGTGTTCCCATCTATGAGAAGAAGTATGGCCAAGTCCCCATG-3'
Protein context (NP_004282.1, residues 51-71): KELIEALQEV[Leu61Phe]KKLKSKRVPI